The following is an entry in ClinVar:

NM_030961.3(TRIM56):c.1843A>G (p.Asn615Asp)

Gene: TRIM56 (tripartite motif containing 56; plus strand). Cytogenetic location: 7q22.1.
Variant type: single nucleotide variant.
Coding change: c.1843A>G on transcript NM_030961.3 (MANE Select); coding-DNA position 1843, A replaced by G.
Protein change: p.Asn615Asp; replaces asparagine 615 with aspartic acid.
Molecular consequence: missense variant.
Genome position (GRCh38, 1-based): chr7:101,089,155, A>G. VCF-style: chr7-101089155-A-G. GRCh37 (hg19) VCF-style: chr7-100732436-A-G.
Other names: short protein forms N615D.
Identifiers: ClinVar variation 4845518 (VCV004845518.1).
Genomic context (GRCh38, chr7:101,089,155, plus strand): 5'-GCGGCACTGCCTAGCGGGGACCGCGTGGCTGTCAGCGTGGCGGGCCACGTGGAGGTGTAC[A>G]ATATGGAAGGCAGCCTGGCCACCCGGTTCATTCCTGGAGGCAAGGCCAGCCGGGGCCTGC-3'
Protein context (NP_112223.1, residues 605-625): VSVAGHVEVY[Asn615Asp]MEGSLATRFI

ClinVar aggregate classification (germline): Uncertain significance (1 of 4 stars; one submission).

Submission:

Greenwood Genetic Center Diagnostic Laboratories, Greenwood Genetic Center
Classification: Uncertain significance. Last evaluated: 2025-12-08. Review status: criteria provided, single submitter. Criteria: ACMG Guidelines, 2015. Collection method: clinical testing. Allele origin: germline. Affected: yes.
Comment: Gene of Uncertain Significance